The following is an entry in ClinVar:

ClinVar aggregate classification (germline): Uncertain significance. Review status: criteria provided, multiple submitters, no conflicts (2 of 4 stars). 2 submissions from 2 submitters: Uncertain significance (2). Last evaluated 2024-06-30.

Submissions (2):

Labcorp Genetics (formerly Invitae), Labcorp
Classification: Uncertain significance. Last evaluated: 2024-06-30. Review status: criteria provided, single submitter. Criteria: Invitae Variant Classification Sherloc (09022015). Collection method: clinical testing. Allele origin: germline.
Comment: This sequence change replaces arginine, which is basic and polar, with glutamine, which is neutral and polar, at codon 387 of the KCNK4 protein (p.Arg387Gln). This variant is not present in population databases (gnomAD no frequency). This variant has not been reported in the literature in individuals affected with KCNK4-related conditions. ClinVar contains an entry for this variant (Variation ID: 2472654). Experimental studies and prediction algorithms are not available or were not evaluated, and the functional significance of this variant is currently unknown. In summary, the available evidence is currently insufficient to determine the role of this variant in disease. Therefore, it has been classified as a Variant of Uncertain Significance.

Ambry Genetics
Classification: Uncertain significance. Last evaluated: 2023-02-06. Review status: criteria provided, single submitter. Criteria: Ambry Variant Classification Scheme 2023. Collection method: clinical testing. Allele origin: germline.

NM_033310.3(KCNK4):c.1160G>A (p.Arg387Gln)

Genes: KCNK4 (potassium two pore domain channel subfamily K member 4; plus strand), KCNK4-CATSPERZ (KCNK4-CATSPERZ readthrough (NMD candidate); plus strand). Cytogenetic location: 11q13.1.
Variant type: single nucleotide variant.
Coding change: c.1160G>A on transcript NM_033310.3 (MANE Select); coding-DNA position 1160, G replaced by A.
Protein change: p.Arg387Gln; replaces arginine 387 with glutamine.
Molecular consequence: missense variant. On other transcripts: non-coding transcript variant (3).
Genome position (GRCh38, 1-based): chr11:64,299,704, G>A. VCF-style: chr11-64299704-G-A. GRCh37 (hg19) VCF-style: chr11-64067176-G-A.
Other names: c.1160G>A, p.Arg387Gln (NM_001317090.2, NM_033311.1); short protein forms R387Q.
Identifiers: ClinVar variation 2472654 (VCV002472654.4), dbSNP rs2495704254, ClinGen allele CA381069673.